The following is an entry in ClinVar:

NM_001244008.2(KIF1A):c.234C>T (p.Gly78=)

Gene: KIF1A (kinesin family member 1A; minus strand). Cytogenetic location: 2q37.3.
Variant type: single nucleotide variant.
Coding change: c.234C>T on transcript NM_001244008.2 (MANE Select); coding-DNA position 234, C replaced by T.
Protein change: p.Gly78=; no amino-acid change (glycine 78 retained).
Molecular consequence: synonymous variant.
Genome position (GRCh38, 1-based): chr2:240,788,180, G>A on the plus strand (C>T on the coding strand, the complement: KIF1A is on the minus strand). VCF-style: chr2-240788180-G-A. GRCh37 (hg19) VCF-style: chr2-241727597-G-A.
Other names: p.G78G:GGC>GGT; p.Gly78=; c.234C>T, p.Gly78= (NM_001320705.2, NM_001330289.2, NM_001330290.2 and 20 more transcripts); c.234C>T (NM_004321.7).
Identifiers: ClinVar variation 129386 (VCV000129386.31), dbSNP rs61744930, ClinGen allele CA153354.

ClinVar aggregate classification (germline): Benign. Review status: criteria provided, multiple submitters, no conflicts (2 of 4 stars). 9 submissions from 9 submitters: Benign (8). 1 of the submissions does not count toward it. Last evaluated 2026-02-03.

Conditions:
Inborn genetic diseases. Identifiers: MedGen C0950123, MeSH D030342.
Hereditary spastic paraplegia 30. Identifiers: Orphanet 101010, MedGen C5235139, MONDO:0012476.
Neuropathy, hereditary sensory, type 2C. Also called: Hereditary sensory and autonomic neuropathy type IIC; KIF1A-Related HSAN2 (HSAN2C). Identifiers: Orphanet 970, MedGen C3280168, MONDO:0013634, OMIM 614213.
Intellectual disability, autosomal dominant 9 (NESCAVS). Also called: NESCAV SYNDROME; KIF1A-Related Neurodevelopmental Disorder. Identifiers: Orphanet 662367, MedGen C5393830, MONDO:0013656, OMIM 614255.
Hereditary spastic paraplegia. Also called: Familial spastic paraparesis. Identifiers: Orphanet 685, MedGen C0037773, MONDO:0019064. Disease mechanism: loss of function.

Allele frequency attached by ClinVar (database versions not stated): gnomAD 0.03600; TOPMed 0.04109; 1000 Genomes Project 0.04353; ESP Exome Variant Server 0.04608; 1000 Genomes Project 30x 0.04888.
gnomAD v4.1: 11,340 of 1,613,788 alleles (0.7%); highest among the groups gnomAD compares: African/African-American, 13%; 656 homozygotes.

Submissions (12):

Labcorp Genetics (formerly Invitae), Labcorp
Classification: Benign for Hereditary spastic paraplegia 30; Neuropathy, hereditary sensory, type 2C; Intellectual disability, autosomal dominant 9. Last evaluated: 2026-02-03. Review status: criteria provided, single submitter. Criteria: Invitae Variant Classification Sherloc (09022015). Collection method: clinical testing. Allele origin: germline.

Athena Diagnostics
Classification: Benign. Last evaluated: 2024-06-07. Review status: criteria provided, single submitter. Criteria: Athena Diagnostics Criteria. Collection method: clinical testing. Allele origin: unknown.

Genome Diagnostics Laboratory, The Hospital for Sick Children
Classification: Benign for Hereditary spastic paraplegia. Last evaluated: 2022-01-17. Review status: criteria provided, single submitter. Criteria: ACMG Guidelines, 2015. Collection method: clinical testing. Allele origin: germline. Affected: yes.

Illumina Laboratory Services, Illumina
Classification: Benign for Spastic paraplegia 30A, autosomal dominant. Last evaluated: 2018-01-13. Review status: criteria provided, single submitter. Criteria: ICSL Variant Classification Criteria 13 December 2019. Collection method: clinical testing. Allele origin: germline.
Comment: This variant was observed in the ICSL laboratory as part of a predisposition screen in an ostensibly healthy population. It had not been previously curated by ICSL or reported in the Human Gene Mutation Database (HGMD: prior to June 1st, 2018), and was therefore a candidate for classification through an automated scoring system. Utilizing variant allele frequency, disease prevalence and penetrance estimates, and inheritance mode, an automated score was calculated to assess if this variant is too frequent to cause the disease. Based on the score and internal cut-off values, a variant classified as benign is not then subjected to further curation. The score for this variant resulted in a classification of benign for this disease.

Mayo Clinic Laboratories, Mayo Clinic
Classification: Benign. Last evaluated: 2018-01-10. Review status: criteria provided, single submitter. Criteria: ACMG Guidelines, 2015. Collection method: clinical testing. Allele origin: germline. Observed: 31 variant alleles.

Ambry Genetics
Classification: Benign for Inborn genetic diseases. Last evaluated: 2016-05-18. Review status: criteria provided, single submitter. Criteria: Ambry Variant Classification Scheme 2023. Collection method: clinical testing. Allele origin: germline.

GeneDx
Classification: Benign. Last evaluated: 2014-04-23. Review status: criteria provided, single submitter. Criteria: GeneDx Variant Classification (06012015). Collection method: clinical testing. Allele origin: germline. Affected: yes.
Comment: This variant is considered likely benign or benign based on one or more of the following criteria: it is a conservative change, it occurs at a poorly conserved position in the protein, it is predicted to be benign by multiple in silico algorithms, and/or has population frequency not consistent with disease.

Breakthrough Genomics
Classification: Benign. Review status: criteria provided, single submitter. Criteria: ACMG Guidelines, 2015. Collection method: not provided. Allele origin: germline. Inheritance: Autosomal recessive inheritance. Affected: yes.

Dr. Peter K. Rogan Lab, Western University
No classification provided (evidence only). Condition: Uterine corpus endometrial carcinoma. Review status: no classification provided. Collection method: in vitro. Allele origin: not applicable. Functional consequence: retained intron. Not counted in ClinVar's aggregate classification.

Dr. Peter K. Rogan Lab, Western University
No classification provided (evidence only). Condition: Ovarian serous cystadenocarcinoma. Review status: no classification provided. Collection method: in vitro. Allele origin: not applicable. Functional consequence: retained intron. Not counted in ClinVar's aggregate classification.

Dr. Peter K. Rogan Lab, Western University
No classification provided (evidence only). Condition: Uterine carcinosarcoma. Review status: no classification provided. Collection method: in vitro. Allele origin: not applicable. Functional consequence: retained intron. Not counted in ClinVar's aggregate classification.

Genetic Services Laboratory, University of Chicago
Classification: Likely benign for AllHighlyPenetrant. Review status: no assertion criteria provided. Collection method: clinical testing. Allele origin: germline. Not counted in ClinVar's aggregate classification.
Comment: Likely benign based on allele frequency in 1000 Genomes Project or ESP global frequency and its presence in a patient with a rare or unrelated disease phenotype. NOT Sanger confirmed.